The following is an entry in ClinVar:

NM_020533.3(MCOLN1):c.832C>T (p.Gln278Ter)

Gene: MCOLN1 (mucolipin TRP cation channel 1; plus strand). Cytogenetic location: 19p13.2.
Variant type: single nucleotide variant.
Coding change: c.832C>T on transcript NM_020533.3 (MANE Select); coding-DNA position 832, C replaced by T.
Protein change: p.Gln278Ter; replaces glutamine 278 with a stop codon.
Molecular consequence: nonsense.
Genome position (GRCh38, 1-based): chr19:7,528,212, C>T. VCF-style: chr19-7528212-C-T. GRCh37 (hg19) VCF-style: chr19-7593098-C-T.
Other names: c.832C>T (NM_020533.2); short protein forms Q278*.
Identifiers: ClinVar variation 2200282 (VCV002200282.5), dbSNP rs2512471493, ClinGen allele CA403084742.

ClinVar aggregate classification (germline): Pathogenic/Likely pathogenic. Review status: criteria provided, multiple submitters, no conflicts (2 of 4 stars). 2 submissions from 2 submitters: Pathogenic (1); Likely pathogenic (1). Last evaluated 2025-11-18.

Conditions:
Mucolipidosis type IV (ML4). Also called: ML IV. Identifiers: Orphanet 578, MedGen C0238286, MONDO:0009653, OMIM 252650.

Allele frequency attached by ClinVar (database versions not stated): gnomAD exomes below 0.00001.
gnomAD v4.1: 1 of 1,614,152 alleles (0.000062%); highest among the groups gnomAD compares: Non-Finnish European, 0.000085%; no homozygotes.

Submissions (2):

Natera, Inc.
Classification: Likely pathogenic for Mucolipidosis type IV. Last evaluated: 2025-11-18. Review status: criteria provided, single submitter. Criteria: Natera Variant Classification Schema (03/2026). Collection method: clinical testing. Allele origin: germline.
Comment: The c.832C>T variant in MCOLN1 is a nonsense variant predicted to introduce a stop codon at amino acid 278. This variant is expected to result in nonsense mediated decay, truncation, or a dysfunctional protein product. This variant is rare in the general population with a frequency below the threshold expected for the associated phenotype(s). Given the available evidence, this variant is classified as Likely Pathogenic.

Labcorp Genetics (formerly Invitae), Labcorp
Classification: Pathogenic for Mucolipidosis type IV. Last evaluated: 2022-12-16. Review status: criteria provided, single submitter. Criteria: Invitae Variant Classification Sherloc (09022015). Collection method: clinical testing. Allele origin: germline.
Comment: This sequence change creates a premature translational stop signal (p.Gln278*) in the MCOLN1 gene. It is expected to result in an absent or disrupted protein product. Loss-of-function variants in MCOLN1 are known to be pathogenic (PMID: 11030752, 11317355). This variant is not present in population databases (gnomAD no frequency). This premature translational stop signal has been observed in individual(s) with clinical features of mucolipidosis (PMID: 28604674). For these reasons, this variant has been classified as Pathogenic.

Literature cited by the submitters: PubMed 11030752 (cited by Labcorp Genetics (formerly Invitae), Labcorp); PubMed 11317355 (cited by Labcorp Genetics (formerly Invitae), Labcorp); PubMed 28604674 (cited by Labcorp Genetics (formerly Invitae), Labcorp).